The following is an entry in ClinVar:

NM_001039141.3(TRIOBP):c.5322+5325G>A

Gene: TRIOBP (TRIO and F-actin binding protein; plus strand). Cytogenetic location: 22q13.1.
Variant type: single nucleotide variant.
Coding change: c.5322+5325G>A on transcript NM_001039141.3 (MANE Select); 5325 bases into the intron after coding-DNA position 5322, G replaced by A.
Molecular consequence: intron variant. On other transcripts: synonymous variant (2).
Genome position (GRCh38, 1-based): chr22:37,746,357, G>A. VCF-style: chr22-37746357-G-A. GRCh37 (hg19) VCF-style: chr22-38142364-G-A.
Other names: c.120G>A, p.Pro40= (NM_007032.5, NM_138632.2).
Identifiers: ClinVar variation 3388496 (VCV003388496.14).

ClinVar aggregate classification (germline): Likely benign (1 of 4 stars; one submission).

gnomAD v4.1: 13 of 1,220,084 alleles (0.0011%); highest among the groups gnomAD compares: Admixed American, 0.0041%; no homozygotes.

Submission:

CeGaT Center for Human Genetics Tuebingen
Classification: Likely benign. Last evaluated: 2024-11-01. Review status: criteria provided, single submitter. Criteria: CeGaT Center For Human Genetics Tuebingen Variant Classification Criteria Version 2. Collection method: clinical testing. Allele origin: germline. Affected: yes. Observed: 1 variant allele.
Comment: TRIOBP: BP4, BP7